The following is an entry in ClinVar:

NM_173660.5(DOK7):c.623G>T (p.Gly208Val)

Gene: DOK7 (docking protein 7; plus strand). Cytogenetic location: 4p16.3.
Variant type: single nucleotide variant.
Coding change: c.623G>T on transcript NM_173660.5 (MANE Select); coding-DNA position 623, G replaced by T.
Protein change: p.Gly208Val; replaces glycine 208 with valine.
Molecular consequence: missense variant. On other transcripts: synonymous variant (1), 5 prime UTR variant (1).
Genome position (GRCh38, 1-based): chr4:3,485,629, G>T. VCF-style: chr4-3485629-G-T. GRCh37 (hg19) VCF-style: chr4-3487356-G-T.
Other names: c.612G>T, p.Gly204= (NM_001164673.2); c.-308G>T (NM_001256896.2); c.623G>T, p.Gly208Val (NM_001301071.2); c.191G>T, p.Gly64Val (NM_001363811.2); short protein forms G208V, G64V.
Identifiers: ClinVar variation 658320 (VCV000658320.10), dbSNP rs572714394, ClinGen allele CA2829088.

ClinVar aggregate classification (germline): Uncertain significance. Review status: criteria provided, multiple submitters, no conflicts (2 of 4 stars). 3 submissions from 3 submitters: Uncertain significance (3). Last evaluated 2025-10-27.

Conditions:
Congenital myasthenic syndrome 10. Also called: Myasthenia, limb-girdle, familial. Identifiers: Orphanet 590, MedGen C1850792, MONDO:0009690, OMIM 254300.
Fetal akinesia deformation sequence 1 (FADS1). Also called: Pena-Shokeir syndrome type I; Fetal akinesia sequence. Identifiers: Orphanet 994, MedGen C1276035, MONDO:0100101, OMIM 208150, HP:0001989.

Allele frequency attached by ClinVar (database versions not stated): gnomAD exomes 0.00001 and 0.00002; ExAC 0.00002; gnomAD 0.00002 and 0.00005; TOPMed 0.00003; 1000 Genomes Project 30x 0.00031; 1000 Genomes Project 0.00040.

Submissions (3):

Labcorp Genetics (formerly Invitae), Labcorp
Classification: Uncertain significance for Congenital myasthenic syndrome 10; Fetal akinesia deformation sequence 1. Last evaluated: 2025-10-27. Review status: criteria provided, single submitter. Criteria: Invitae Variant Classification Sherloc (09022015). Collection method: clinical testing. Allele origin: germline.
Comment: This sequence change replaces glycine, which is neutral and non-polar, with valine, which is neutral and non-polar, at codon 208 of the DOK7 protein (p.Gly208Val). This variant is present in population databases (rs572714394, gnomAD 0.02%). This variant has not been reported in the literature in individuals affected with DOK7-related conditions. ClinVar contains an entry for this variant (Variation ID: 658320). Invitae Evidence Modeling of protein sequence and biophysical properties (such as structural, functional, and spatial information, amino acid conservation, physicochemical variation, residue mobility, and thermodynamic stability) has been performed for this missense variant. However, the output from this modeling did not meet the statistical confidence thresholds required to predict the impact of this variant on DOK7 protein function. In summary, the available evidence is currently insufficient to determine the role of this variant in disease. Therefore, it has been classified as a Variant of Uncertain Significance.

Blueprint Genetics
Classification: Uncertain significance. Last evaluated: 2019-06-25. Review status: criteria provided, single submitter. Criteria: ACMG Guidelines, 2015. Collection method: clinical testing. Allele origin: germline.

Revvity Omics, Revvity
Classification: Uncertain significance. Last evaluated: 2019-04-05. Review status: criteria provided, single submitter. Criteria: ACMG Guidelines, 2015. Collection method: clinical testing. Allele origin: germline.